The following is an entry in ClinVar:

ClinVar aggregate classification (germline): Uncertain significance. Review status: criteria provided, single submitter (1 of 4 stars). 2 submissions from 2 submitters: Uncertain significance (1). 1 of the submissions does not count toward it. Last evaluated 2024-05-24.

Conditions:
Leber congenital amaurosis (LCA). Also called: Leber's amaurosis. Identifiers: Orphanet 65, MedGen C0339527, MeSH D057130, MONDO:0018998.
Joubert syndrome. Also called: CEREBELLOPARENCHYMAL DISORDER IV; JOUBERT-BOLTSHAUSER SYNDROME; Familial aplasia of the vermis. Identifiers: Orphanet 475, MedGen C5979921, MONDO:0018772.
Nephronophthisis. Also called: Juvenile Nephronophthisis. Identifiers: Orphanet 655, MedGen C0687120, MONDO:0019005, HP:0000090.
Meckel-Gruber syndrome. Also called: DYSENCEPHALIA SPLANCHNOCYSTICA; GRUBER SYNDROME; Dysencephalia splachnocystica. Identifiers: Orphanet 564, MedGen C0265215, MONDO:0018921.

gnomAD v4.1: 1 of 1,613,654 alleles (0.000062%); highest among the groups gnomAD compares: Non-Finnish European, 0.000085%; no homozygotes.

Submissions (2):

Labcorp Genetics (formerly Invitae), Labcorp
Classification: Uncertain significance for Joubert syndrome; Meckel-Gruber syndrome; Nephronophthisis. Last evaluated: 2024-05-24. Review status: criteria provided, single submitter. Criteria: Invitae Variant Classification Sherloc (09022015). Collection method: clinical testing. Allele origin: germline.
Comment: This sequence change replaces arginine, which is basic and polar, with glycine, which is neutral and non-polar, at codon 1548 of the CEP290 protein (p.Arg1548Gly). This variant is not present in population databases (gnomAD no frequency). This variant has not been reported in the literature in individuals affected with CEP290-related conditions. Advanced modeling of protein sequence and biophysical properties (such as structural, functional, and spatial information, amino acid conservation, physicochemical variation, residue mobility, and thermodynamic stability) performed at Invitae indicates that this missense variant is expected to disrupt CEP290 protein function with a positive predictive value of 80%. In summary, the available evidence is currently insufficient to determine the role of this variant in disease. Therefore, it has been classified as a Variant of Uncertain Significance.

Natera, Inc.
Classification: Uncertain significance for Leber congenital amaurosis. Last evaluated: 2025-04-15. Review status: no assertion criteria provided. Collection method: clinical testing. Allele origin: germline. Not counted in ClinVar's aggregate classification.

NM_025114.4(CEP290):c.4642A>G (p.Arg1548Gly)

Gene: CEP290 (centrosomal protein 290; minus strand). Cytogenetic location: 12q21.32.
Variant type: single nucleotide variant.
Coding change: c.4642A>G on transcript NM_025114.4 (MANE Select); coding-DNA position 4642, A replaced by G.
Protein change: p.Arg1548Gly; replaces arginine 1548 with glycine.
Molecular consequence: missense variant.
Genome position (GRCh38, 1-based): chr12:88,084,648, T>C on the plus strand (A>G on the coding strand, the complement: CEP290 is on the minus strand). VCF-style: chr12-88084648-T-C. GRCh37 (hg19) VCF-style: chr12-88478425-T-C.
Other names: c.4642A>G (NM_025114.3); short protein forms R1548G.
Identifiers: ClinVar variation 3750320 (VCV003750320.3).